The following is an entry in ClinVar:

NM_005477.3(HCN4):c.79G>C (p.Asp27His)

Gene: HCN4 (hyperpolarization activated cyclic nucleotide gated potassium channel 4; minus strand). Cytogenetic location: 15q24.1.
Variant type: single nucleotide variant.
Coding change: c.79G>C on transcript NM_005477.3 (MANE Select); coding-DNA position 79, G replaced by C.
Protein change: p.Asp27His; replaces aspartic acid 27 with histidine.
Molecular consequence: missense variant.
Genome position (GRCh38, 1-based): chr15:73,368,192, C>G on the plus strand (G>C on the coding strand, the complement: HCN4 is on the minus strand). VCF-style: chr15-73368192-C-G. GRCh37 (hg19) VCF-style: chr15-73660533-C-G.
Other names: short protein forms D27H.
Identifiers: ClinVar variation 1761580 (VCV001761580.6), dbSNP rs2549080722, ClinGen allele CA393099102.

ClinVar aggregate classification (germline): Uncertain significance. Review status: criteria provided, multiple submitters, no conflicts (2 of 4 stars). 2 submissions from 2 submitters: Uncertain significance (2). Last evaluated 2025-09-17.

Conditions:
Cardiovascular phenotype. Identifiers: MedGen CN230736.
Brugada syndrome 8 (BRGDA8). Identifiers: Orphanet 130, MedGen C2751083, MONDO:0013148, OMIM 613123.

Allele frequency attached by ClinVar (database versions not stated): gnomAD exomes below 0.00001.
gnomAD v4.1: 1 of 1,534,168 alleles (0.000065%); highest among the groups gnomAD compares: Non-Finnish European, 0.000088%; no homozygotes.

Submissions (2):

Ambry Genetics
Classification: Uncertain significance for Cardiovascular phenotype. Last evaluated: 2025-09-17. Review status: criteria provided, single submitter. Criteria: Ambry Variant Classification Scheme 2023. Collection method: clinical testing. Allele origin: germline.
Comment: The p.D27H variant (also known as c.79G>C), located in coding exon 1 of the HCN4 gene, results from a G to C substitution at nucleotide position 79. The aspartic acid at codon 27 is replaced by histidine, an amino acid with similar properties. This amino acid position is well conserved in available vertebrate species. In addition, the in silico prediction for this alteration is inconclusive. Since supporting evidence is limited at this time, the clinical significance of this alteration remains unclear.

Labcorp Genetics (formerly Invitae), Labcorp
Classification: Uncertain significance for Brugada syndrome 8. Last evaluated: 2025-04-13. Review status: criteria provided, single submitter. Criteria: Invitae Variant Classification Sherloc (09022015). Collection method: clinical testing. Allele origin: germline.
Comment: This sequence change replaces aspartic acid, which is acidic and polar, with histidine, which is basic and polar, at codon 27 of the HCN4 protein (p.Asp27His). This variant is not present in population databases (gnomAD no frequency). This variant has not been reported in the literature in individuals affected with HCN4-related conditions. ClinVar contains an entry for this variant (Variation ID: 1761580). Invitae Evidence Modeling of protein sequence and biophysical properties (such as structural, functional, and spatial information, amino acid conservation, physicochemical variation, residue mobility, and thermodynamic stability) indicates that this missense variant is not expected to disrupt HCN4 protein function with a negative predictive value of 95%. In summary, the available evidence is currently insufficient to determine the role of this variant in disease. Therefore, it has been classified as a Variant of Uncertain Significance.